The following is an entry in ClinVar:

ClinVar aggregate classification (germline): Likely benign. Review status: criteria provided, single submitter (1 of 4 stars). 2 submissions from 2 submitters: Likely benign (1). 1 of the submissions does not count toward it. Last evaluated 2026-02-04.

Conditions:
FKBP10-related disorder. Also called: FKBP10-related condition.

Allele frequency attached by ClinVar (database versions not stated): gnomAD exomes 0.00005; gnomAD 0.00007; TOPMed 0.00007; ExAC 0.00018.
gnomAD v4.1: 87 of 1,613,950 alleles (0.0054%); highest among the groups gnomAD compares: East Asian, 0.12%; no homozygotes.

Submissions (2):

Labcorp Genetics (formerly Invitae), Labcorp
Classification: Likely benign. Last evaluated: 2026-02-04. Review status: criteria provided, single submitter. Criteria: Invitae Variant Classification Sherloc (09022015). Collection method: clinical testing. Allele origin: germline.

PreventionGenetics, part of Exact Sciences
Classification: Likely benign for FKBP10-related condition. Last evaluated: 2019-04-15. Review status: no assertion criteria provided. Collection method: clinical testing. Allele origin: germline. Not counted in ClinVar's aggregate classification.
Comment: This variant is classified as likely benign based on ACMG/AMP sequence variant interpretation guidelines (Richards et al. 2015 PMID: 25741868, with internal and published modifications).

NM_021939.4(FKBP10):c.917+9G>A

Gene: FKBP10 (FKBP prolyl isomerase 10; plus strand). Cytogenetic location: 17q21.2.
Variant type: single nucleotide variant.
Coding change: c.917+9G>A on transcript NM_021939.4 (MANE Select); 9 bases into the intron after coding-DNA position 917, G replaced by A.
Molecular consequence: intron variant.
Genome position (GRCh38, 1-based): chr17:41,819,408, G>A. VCF-style: chr17-41819408-G-A. GRCh37 (hg19) VCF-style: chr17-39975660-G-A.
Other names: c.917+9G>A (NM_021939.3).
Identifiers: ClinVar variation 2414235 (VCV002414235.8), dbSNP rs782448297, ClinGen allele CA8566408.